The following is an entry in ClinVar:

ClinVar aggregate classification (germline): Likely pathogenic (1 of 4 stars; one submission).

Conditions:
Factor H deficiency (CFHD). Also called: COMPLEMENT FACTOR H DEFICIENCY; CFH DEFICIENCY. Identifiers: Orphanet 200421, MedGen C0398777, MONDO:0012350, OMIM 609814.

Submission:

Genomenon, Inc
Classification: Likely pathogenic for Factor H deficiency. Last evaluated: 2026-09-17. Review status: criteria provided, single submitter. Criteria: Genomenon Sequence Variant Interpretation Standards - Updated. Collection method: curation. Allele origin: germline. Affected: yes.
Comment: CFH p.Trp1096Arg (c.3286T>A) is a missense variant that changes the amino acid at codon 1096 from tryptophan to arginine. This variant has been observed in at least one proband affected with complement factor H deficiency (PMID: 29500241; 29327071). It is absent or not present at a significant frequency in gnomAD. In silico models predict that this variant is possibly or probably damaging. In conclusion, we classify CFH p.Trp1096Arg (c.3286T>A) as a likely pathogenic variant.

Literature cited by the submitters: PubMed 29500241; PubMed 29327071.

NM_000186.4(CFH):c.3286T>A (p.Trp1096Arg)

Gene: CFH (complement factor H; plus strand). Cytogenetic location: 1q31.3.
Variant type: single nucleotide variant.
Coding change: c.3286T>A on transcript NM_000186.4 (MANE Select); coding-DNA position 3286, T replaced by A.
Protein change: p.Trp1096Arg; replaces tryptophan 1096 with arginine.
Molecular consequence: missense variant.
Genome position (GRCh38, 1-based): chr1:196,743,604, T>A. VCF-style: chr1-196743604-T-A. GRCh37 (hg19) VCF-style: chr1-196712734-T-A.
Other names: short protein forms W1096R.
Identifiers: ClinVar variation 4291553 (VCV004291553.3).